The following is an entry in ClinVar:

ClinVar aggregate classification (germline): Uncertain significance (1 of 4 stars; one submission).

Submission:

GeneDx
Classification: Uncertain significance. Last evaluated: 2025-04-20. Review status: criteria provided, single submitter. Criteria: GeneDx Variant Classification Process June 2021. Collection method: clinical testing. Allele origin: germline. Affected: yes.
Comment: Not observed at significant frequency in large population cohorts (gnomAD); In silico analysis supports that this missense variant has a deleterious effect on protein structure/function; Has not been previously published as pathogenic or benign to our knowledge

NM_001458.5(FLNC):c.7106G>T (p.Cys2369Phe)

Genes: FLNC (filamin C; plus strand), FLNC-AS1 (FLNC antisense RNA 1; minus strand). Cytogenetic location: 7q32.1.
Variant type: single nucleotide variant.
Coding change: c.7106G>T on transcript NM_001458.5 (MANE Select); coding-DNA position 7106, G replaced by T.
Protein change: p.Cys2369Phe; replaces cysteine 2369 with phenylalanine.
Molecular consequence: missense variant.
Genome position (GRCh38, 1-based): chr7:128,854,883, G>T. VCF-style: chr7-128854883-G-T. GRCh37 (hg19) VCF-style: chr7-128494937-G-T.
Other names: c.7007G>T, p.Cys2336Phe (NM_001127487.2); short protein forms C2336F, C2369F.
Identifiers: ClinVar variation 4527243 (VCV004527243.1).